The following is an entry in ClinVar:

ClinVar aggregate classification (germline): Uncertain significance (1 of 4 stars; one submission).

Conditions:
Neurodevelopmental disorder with or without early-onset generalized epilepsy. Identifiers: MedGen C5436914, MONDO:0030930, OMIM 619157.

gnomAD v4.1: 2 of 1,613,100 alleles (0.00012%); highest among the groups gnomAD compares: Non-Finnish European, 0.00017%; no homozygotes.

Submission:

Victorian Clinical Genetics Services, Murdoch Childrens Research Institute
Classification: Uncertain significance for Neurodevelopmental disorder with or without early-onset generalized epilepsy. Last evaluated: 2020-05-26. Review status: criteria provided, single submitter. Criteria: ACMG Guidelines, 2015. Collection method: clinical testing. Allele origin: germline. Inheritance: Autosomal dominant inheritance. Affected: yes.
Comment: Based on the classification scheme VCGS_Germline_v1.1.1, this variant is classified as 3B-VUS. Following criteria are met: 0102 - Loss-of-function is a known mechanism of disease for this gene. (N) 0107 - This gene is known to be associated with autosomal dominant disease. (N) 0200 - Variant is predicted to result in a missense amino acid change from tyrosine to phenylalamine (exon 49). (N) 0251 - Variant is heterozygous. (N) 0301 - Variant is absent from gnomAD. (P) 0501 - Missense variant consistently predicted to be damaging by multiple in silico tools or highly conserved with a major amino acid change. (P) 0600 - Variant is located in an annotated domain or motif (BEACH domain; PDB, NCBI, PMID: 30269351). (N) 0705 - No comparable variants have previous evidence for pathogenicity. (N) 0807 - Variant has not previously been reported in a clinical context. (N) 0905 - No segregation evidence has been identified for this variant. (N) 1007 - No published functional evidence has been identified for this variant. (N) 1208 - Inheritance information for this variant is not currently available. (N) Legend: (P) - Pathogenic, (N) - Neutral, (B) - Benign

Literature cited by the submitters: PubMed 30269351.

NM_001385012.1(NBEA):c.7568A>T (p.Tyr2523Phe)

Gene: NBEA (neurobeachin; plus strand). Cytogenetic location: 13q13.3.
Variant type: single nucleotide variant.
Coding change: c.7568A>T on transcript NM_001385012.1 (MANE Select); coding-DNA position 7568, A replaced by T.
Protein change: p.Tyr2523Phe; replaces tyrosine 2523 with phenylalanine.
Molecular consequence: missense variant.
Genome position (GRCh38, 1-based): chr13:35,628,199, A>T. VCF-style: chr13-35628199-A-T. GRCh37 (hg19) VCF-style: chr13-36202336-A-T.
Other names: c.947A>T, p.Tyr316Phe (NM_001204197.3); c.7559A>T, p.Tyr2520Phe (NM_001379245.1); c.7568A>T, p.Tyr2523Phe (NM_015678.5); short protein forms Y2520F, Y2523F, Y316F.
Identifiers: ClinVar variation 1805330 (VCV001805330.1), dbSNP rs1055550398, ClinGen allele CA387988004.
Genomic context (GRCh38, chr13:35,628,199, plus strand): 5'-GCTATAAGCAGCGAGGACCAGAAGCAGTTCGTGCTCTGAATGTTTTTCACTACTTGACTT[A>T]TGAAGGCTCTGTGAACCTGGATAGTATCACTGATCCTGTGCTCAGGGAGGTAGGTGTTAA-3'
Protein context (NP_001371941.1, residues 2513-2533): RALNVFHYLT[Tyr2523Phe]EGSVNLDSIT